The following is an entry in ClinVar:

NM_015338.6(ASXL1):c.1129C>T (p.Gln377Ter)

Gene: ASXL1 (ASXL transcriptional regulator 1; plus strand). Cytogenetic location: 20q11.21.
Variant type: single nucleotide variant.
Coding change: c.1129C>T on transcript NM_015338.6 (MANE Select); coding-DNA position 1129, C replaced by T.
Protein change: p.Gln377Ter; replaces glutamine 377 with a stop codon.
Molecular consequence: nonsense.
Genome position (GRCh38, 1-based): chr20:32,433,327, C>T. VCF-style: chr20-32433327-C-T. GRCh37 (hg19) VCF-style: chr20-31021130-C-T.
Other names: c.946C>T, p.Gln316Ter (NM_001363734.1); short protein forms Q316*, Q377*.
Identifiers: ClinVar variation 4538577 (VCV004538577.1).

ClinVar aggregate classification (germline): Pathogenic (1 of 4 stars; one submission).

gnomAD v4.1: 4 of 1,613,970 alleles (0.00025%); highest among the groups gnomAD compares: Non-Finnish European, 0.00034%; no homozygotes.

Submission:

GeneDx
Classification: Pathogenic. Last evaluated: 2025-06-20. Review status: criteria provided, single submitter. Criteria: GeneDx Variant Classification Process June 2021. Collection method: clinical testing. Allele origin: germline. Affected: yes.
Comment: Nonsense variant predicted to result in protein truncation or nonsense mediated decay in a gene for which loss of function is a known mechanism of disease; Not observed at significant frequency in large population cohorts (gnomAD); This variant is associated with the following publications: (PMID: 39565978, 26350204, 30147881, 34429528)